The following is an entry in ClinVar:

ClinVar aggregate classification (germline): Benign (0 of 4 stars; one submission).

Conditions:
GNB1L-related disorder. Also called: GNB1L-related condition.

Allele frequency attached by ClinVar (database versions not stated): 1000 Genomes Project 30x 0.00547; 1000 Genomes Project 0.00599; TOPMed 0.01325; ExAC 0.01518; gnomAD 0.01520; ESP Exome Variant Server 0.01746.
gnomAD v4.1: 30,605 of 1,612,600 alleles (1.9%); highest among the groups gnomAD compares: Non-Finnish European, 2.3%; 344 homozygotes.

Submission:

PreventionGenetics, part of Exact Sciences
Classification: Benign for GNB1L-related condition. Last evaluated: 2019-10-28. Review status: no assertion criteria provided. Collection method: clinical testing. Allele origin: germline.
Comment: This variant is classified as benign based on ACMG/AMP sequence variant interpretation guidelines (Richards et al. 2015 PMID: 25741868, with internal and published modifications).

NM_053004.3(GNB1L):c.851C>T (p.Thr284Met)

Gene: GNB1L (G protein subunit beta 1 like; minus strand). Cytogenetic location: 22q11.21.
Variant type: single nucleotide variant.
Coding change: c.851C>T on transcript NM_053004.3 (MANE Select); coding-DNA position 851, C replaced by T.
Protein change: p.Thr284Met; replaces threonine 284 with methionine.
Molecular consequence: missense variant.
Genome position (GRCh38, 1-based): chr22:19,788,842, G>A on the plus strand (C>T on the coding strand, the complement: GNB1L is on the minus strand). VCF-style: chr22-19788842-G-A. GRCh37 (hg19) VCF-style: chr22-19776365-G-A.
Other names: short protein forms T284M.
Identifiers: ClinVar variation 3042211 (VCV003042211.2), dbSNP rs73148914, ClinGen allele CA10102975.